The following is an entry in ClinVar:

NM_020693.4(DSCAML1):c.2806T>C (p.Ser936Pro)

Gene: DSCAML1 (DS cell adhesion molecule like 1; minus strand). Cytogenetic location: 11q23.3.
Variant type: single nucleotide variant.
Coding change: c.2806T>C on transcript NM_020693.4 (MANE Select); coding-DNA position 2806, T replaced by C.
Protein change: p.Ser936Pro; replaces serine 936 with proline.
Molecular consequence: missense variant.
Genome position (GRCh38, 1-based): chr11:117,472,016, A>G on the plus strand (T>C on the coding strand, the complement: DSCAML1 is on the minus strand). VCF-style: chr11-117472016-A-G. GRCh37 (hg19) VCF-style: chr11-117342731-A-G.
Other names: short protein forms S936P.
Identifiers: ClinVar variation 2111152 (VCV002111152.4), dbSNP rs766635774, ClinGen allele CA382744873.
Genomic context (GRCh38, chr11:117,472,016, plus strand): 5'-ATGCCGGGTGCAAGTCCACAATGTTGGCCTGGTTGATGGTGGGGGAGATGTTGCGTGTGG[A>G]CTGCTTGAAGTCCCAGGAATCTGGAGAGAAGACACCTATGTCAAAGCATGGCCAGGCAAA-3'
Protein context (NP_065744.3, residues 926-946): NKSDSWDFKQ[Ser936Pro]TRNISPTINQ

ClinVar aggregate classification (germline): Uncertain significance (1 of 4 stars; one submission).

gnomAD v4.1: 1 of 1,614,072 alleles (0.000062%); highest among the groups gnomAD compares: Admixed American, 0.0017%; no homozygotes.

Submission:

Labcorp Genetics (formerly Invitae), Labcorp
Classification: Uncertain significance. Last evaluated: 2022-10-24. Review status: criteria provided, single submitter. Criteria: Invitae Variant Classification Sherloc (09022015). Collection method: clinical testing. Allele origin: germline.
Comment: This sequence change replaces serine, which is neutral and polar, with proline, which is neutral and non-polar, at codon 996 of the DSCAML1 protein (p.Ser996Pro). This variant is present in population databases (no rsID available, gnomAD 0.003%). This variant has not been reported in the literature in individuals affected with DSCAML1-related conditions. Algorithms developed to predict the effect of missense changes on protein structure and function are either unavailable or do not agree on the potential impact of this missense change (SIFT: "Deleterious"; PolyPhen-2: "Benign"; Align-GVGD: "Class C0"). In summary, the available evidence is currently insufficient to determine the role of this variant in disease. Therefore, it has been classified as a Variant of Uncertain Significance.